The following is an entry in ClinVar:

ClinVar aggregate classification (germline): Benign/Likely benign. Review status: criteria provided, multiple submitters, no conflicts (2 of 4 stars). 5 submissions from 5 submitters: Benign (2); Likely benign (2). 1 of the submissions does not count toward it. Last evaluated 2026-02-04.

Conditions:
SAR1B-related disorder. Also called: SAR1B-related condition.

Allele frequency attached by ClinVar (database versions not stated): ExAC 0.01242.

Submissions (5):

Labcorp Genetics (formerly Invitae), Labcorp
Classification: Likely benign. Last evaluated: 2026-02-04. Review status: criteria provided, single submitter. Criteria: Invitae Variant Classification Sherloc (09022015). Collection method: clinical testing. Allele origin: germline.

Mayo Clinic Laboratories, Mayo Clinic
Classification: Benign. Last evaluated: 2025-07-21. Review status: criteria provided, single submitter. Criteria: ACMG Guidelines, 2015. Collection method: clinical testing. Allele origin: germline. Observed: 1 variant allele.
Comment: BA1, BP4, BP7

Blueprint Genetics
Classification: Likely benign. Last evaluated: 2024-11-25. Review status: criteria provided, single submitter. Criteria: ACMG Guidelines, 2015. Collection method: clinical testing. Allele origin: germline.

GeneDx
Classification: Benign. Last evaluated: 2018-09-29. Review status: criteria provided, single submitter. Criteria: GeneDx Variant Classification Process June 2021. Collection method: clinical testing. Allele origin: germline. Affected: yes.

PreventionGenetics, part of Exact Sciences
Classification: Likely benign for SAR1B-related condition. Last evaluated: 2019-11-06. Review status: no assertion criteria provided. Collection method: clinical testing. Allele origin: germline. Not counted in ClinVar's aggregate classification.
Comment: This variant is classified as likely benign based on ACMG/AMP sequence variant interpretation guidelines (Richards et al. 2015 PMID: 25741868, with internal and published modifications).

NM_016103.4(SAR1B):c.244+9C>T

Gene: SAR1B (secretion associated Ras related GTPase 1B; minus strand). Cytogenetic location: 5q31.1.
Variant type: single nucleotide variant.
Coding change: c.244+9C>T on transcript NM_016103.4 (MANE Select); 9 bases into the intron after coding-DNA position 244, C replaced by T.
Molecular consequence: intron variant.
Genome position (GRCh38, 1-based): chr5:134,612,682, G>A on the plus strand (C>T on the coding strand, the complement: SAR1B is on the minus strand). VCF-style: chr5-134612682-G-A. GRCh37 (hg19) VCF-style: chr5-133948372-G-A.
Other names: p.?; c.244+9C>T (NM_001033503.3).
Identifiers: ClinVar variation 789284 (VCV000789284.17), dbSNP rs200681744, ClinGen allele CA3414512.